The following is an entry in ClinVar:

NM_000237.3(LPL):c.1153A>G (p.Thr385Ala)

Gene: LPL (lipoprotein lipase; plus strand). Cytogenetic location: 8p21.3.
Variant type: single nucleotide variant.
Coding change: c.1153A>G on transcript NM_000237.3 (MANE Select); coding-DNA position 1153, A replaced by G.
Protein change: p.Thr385Ala; replaces threonine 385 with alanine.
Molecular consequence: missense variant.
Genome position (GRCh38, 1-based): chr8:19,960,914, A>G. VCF-style: chr8-19960914-A-G. GRCh37 (hg19) VCF-style: chr8-19818425-A-G.
Other names: short protein forms T385A.
Identifiers: ClinVar variation 4859253 (VCV004859253.1).

ClinVar aggregate classification (germline): Uncertain significance (1 of 4 stars; one submission).

Conditions:
Cardiovascular phenotype. Identifiers: MedGen CN230736.

gnomAD v4.1: 1 of 1,613,870 alleles (0.000062%); highest among the groups gnomAD compares: East Asian, 0.0022%; no homozygotes.

Submission:

Ambry Genetics
Classification: Uncertain significance for Cardiovascular phenotype. Last evaluated: 2026-04-04. Review status: criteria provided, single submitter. Criteria: Ambry Variant Classification Scheme 2023. Collection method: clinical testing. Allele origin: germline.
Comment: The p.T385A variant (also known as c.1153A>G), located in coding exon 8 of the LPL gene, results from an A to G substitution at nucleotide position 1153. The threonine at codon 385 is replaced by alanine, an amino acid with similar properties. This amino acid position is conserved. In addition, this alteration is predicted to be tolerated by in silico analysis. Based on the available evidence, the clinical significance of this variant remains unclear.